The following is an entry in ClinVar:

NM_000094.4(COL7A1):c.98G>A (p.Arg33His)

Gene: COL7A1 (collagen type VII alpha 1 chain; minus strand). Cytogenetic location: 3p21.31.
Variant type: single nucleotide variant.
Coding change: c.98G>A on transcript NM_000094.4 (MANE Select); coding-DNA position 98, G replaced by A.
Protein change: p.Arg33His; replaces arginine 33 with histidine.
Molecular consequence: missense variant.
Genome position (GRCh38, 1-based): chr3:48,594,536, C>T on the plus strand (G>A on the coding strand, the complement: COL7A1 is on the minus strand). VCF-style: chr3-48594536-C-T. GRCh37 (hg19) VCF-style: chr3-48631969-C-T.
Other names: short protein forms R33H.
Identifiers: ClinVar variation 1422167 (VCV001422167.3), dbSNP rs767387822, ClinGen allele CA2381647.
Genomic context (GRCh38, chr3:48,594,536, plus strand): 5'-TTGCTGCGGCCAATGGATGAGGAGCCATCCAGTAAGAACACAATGTCAGCGGCGTAAAGG[C>T]GCGTGCAGGTCACTGGGGCGGGCAGGAGAGATCAGGGCCTCTTCTGGGAGGCCAACCACC-3'
Protein context (NP_000085.1, residues 23-43): AQHRERVTCT[Arg33His]LYAADIVFLL

ClinVar aggregate classification (germline): Uncertain significance (1 of 4 stars; one submission).

Allele frequency attached by ClinVar (database versions not stated): gnomAD exomes 0.00001; ExAC 0.00001.

Submission:

Labcorp Genetics (formerly Invitae), Labcorp
Classification: Uncertain significance. Last evaluated: 2021-12-13. Review status: criteria provided, single submitter. Criteria: Invitae Variant Classification Sherloc (09022015). Collection method: clinical testing. Allele origin: germline.
Comment: This sequence change replaces arginine, which is basic and polar, with histidine, which is basic and polar, at codon 33 of the COL7A1 protein (p.Arg33His). The frequency data for this variant in the population databases is considered unreliable, as metrics indicate poor data quality at this position in the gnomAD database. This variant has not been reported in the literature in individuals affected with COL7A1-related conditions. Advanced modeling of protein sequence and biophysical properties (such as structural, functional, and spatial information, amino acid conservation, physicochemical variation, residue mobility, and thermodynamic stability) performed at Invitae indicates that this missense variant is not expected to disrupt COL7A1 protein function. In summary, the available evidence is currently insufficient to determine the role of this variant in disease. Therefore, it has been classified as a Variant of Uncertain Significance.